The following is an entry in ClinVar:

ClinVar aggregate classification (germline): Benign/Likely benign. Review status: criteria provided, multiple submitters, no conflicts (2 of 4 stars). 11 submissions from 11 submitters: Benign (5); Likely benign (3). 3 of the submissions do not count toward it. Last evaluated 2026-01-25.

Conditions:
Cardiovascular phenotype. Identifiers: MedGen CN230736.
Cardiomyopathy (CMYO). Also called: Cardiomyopathies. Identifiers: Orphanet 167848, MedGen C0878544, MONDO:0004994, HP:0001638. Inheritance: Various modes of inheritance.
Hypertrophic cardiomyopathy 14. Identifiers: MedGen C2750467, MONDO:0013197, OMIM 613251.

Allele frequency attached by ClinVar (database versions not stated): gnomAD exomes 0.00026 and 0.00075; gnomAD 0.00031 and 0.00039; TOPMed 0.00062; ExAC 0.00083; 1000 Genomes Project 0.00120; 1000 Genomes Project 30x 0.00141.
gnomAD v4.1: 459 of 1,612,216 alleles (0.028%); highest among the groups gnomAD compares: East Asian, 0.92%; 2 homozygotes.

Submissions (11):

Labcorp Genetics (formerly Invitae), Labcorp
Classification: Benign for Hypertrophic cardiomyopathy 14. Last evaluated: 2026-01-25. Review status: criteria provided, single submitter. Criteria: Invitae Variant Classification Sherloc (09022015). Collection method: clinical testing. Allele origin: germline.

Women's Health and Genetics/Laboratory Corporation of America, LabCorp
Classification: Benign. Last evaluated: 2025-11-12. Review status: criteria provided, single submitter. Criteria: LabCorp Variant Classification Summary - May 2015. Collection method: clinical testing. Allele origin: germline.

Blueprint Genetics
Classification: Likely benign. Last evaluated: 2024-10-04. Review status: criteria provided, single submitter. Criteria: ACMG Guidelines, 2015. Collection method: clinical testing. Allele origin: germline.

CeGaT Center for Human Genetics Tuebingen
Classification: Likely benign. Last evaluated: 2024-07-01. Review status: criteria provided, single submitter. Criteria: CeGaT Center For Human Genetics Tuebingen Variant Classification Criteria Version 2. Collection method: clinical testing. Allele origin: germline. Affected: yes. Observed: 1 variant allele.
Comment: MYH6: BP4, BS1

GeneDx
Classification: Likely benign. Last evaluated: 2019-05-14. Review status: criteria provided, single submitter. Criteria: GeneDx Variant Classification Process June 2021. Collection method: clinical testing. Allele origin: germline. Affected: yes.

CHEO Genetics Diagnostic Laboratory, Children's Hospital of Eastern Ontario
Classification: Benign for Cardiomyopathy. Last evaluated: 2018-04-16. Review status: criteria provided, single submitter. Criteria: ACMG Guidelines, 2015. Collection method: clinical testing. Allele origin: germline.

Ambry Genetics
Classification: Benign for Cardiovascular phenotype. Last evaluated: 2016-04-25. Review status: criteria provided, single submitter. Criteria: Ambry Variant Classification Scheme 2023. Collection method: clinical testing. Allele origin: germline.

Laboratory for Molecular Medicine, Mass General Brigham Personalized Medicine
Classification: Benign. Last evaluated: 2015-07-02. Review status: criteria provided, single submitter. Criteria: LMM Criteria. Collection method: clinical testing. Allele origin: germline. Observed: 1 variant allele.
Comment: c.4359+5A>G in intron 30 of MYH6: This variant is not expected to have clinical significance because it has been identified in 1.2% (100/8646) of East Asian chr omosomes by the Exome Aggregation Consortium (ExAC, rg; dbSNP rs193283041).

Clinical Genetics, Academic Medical Center
Classification: Benign. Review status: no assertion criteria provided. Collection method: clinical testing. Allele origin: germline. Affected: yes. Study: VKGL Data-share Consensus. Not counted in ClinVar's aggregate classification.

Diagnostic Laboratory, Department of Genetics, University Medical Center Groningen
Classification: Benign. Review status: no assertion criteria provided. Collection method: clinical testing. Allele origin: germline. Affected: yes. Study: VKGL Data-share Consensus. Not counted in ClinVar's aggregate classification.

Joint Genome Diagnostic Labs from Nijmegen and Maastricht, Radboudumc and MUMC+
Classification: Benign. Review status: no assertion criteria provided. Collection method: clinical testing. Allele origin: germline. Affected: yes. Study: VKGL Data-share Consensus. Not counted in ClinVar's aggregate classification.

NM_002471.4(MYH6):c.4359+5A>G

Gene: MYH6 (myosin heavy chain 6; minus strand). Cytogenetic location: 14q11.2.
Variant type: single nucleotide variant.
Coding change: c.4359+5A>G on transcript NM_002471.4 (MANE Select); 5 bases into the intron after coding-DNA position 4359, A replaced by G.
Molecular consequence: intron variant.
Genome position (GRCh38, 1-based): chr14:23,388,150, T>C on the plus strand (A>G on the coding strand, the complement: MYH6 is on the minus strand). VCF-style: chr14-23388150-T-C. GRCh37 (hg19) VCF-style: chr14-23857359-T-C.
Identifiers: ClinVar variation 226748 (VCV000226748.46), dbSNP rs193283041, ClinGen allele CA7114813.